The following is an entry in ClinVar:

NM_001166114.2(PNPLA6):c.3013A>T (p.Ile1005Phe)

Gene: PNPLA6 (patatin like domain 6, lysophospholipase; plus strand). Cytogenetic location: 19p13.2.
Variant type: single nucleotide variant.
Coding change: c.3013A>T on transcript NM_001166114.2 (MANE Select); coding-DNA position 3013, A replaced by T.
Protein change: p.Ile1005Phe; replaces isoleucine 1005 with phenylalanine.
Molecular consequence: missense variant.
Genome position (GRCh38, 1-based): chr19:7,555,683, A>T. VCF-style: chr19-7555683-A-T. GRCh37 (hg19) VCF-style: chr19-7620569-A-T.
Other names: c.3043A>T, p.Ile1015Phe (NM_001166111.2); c.2818A>T, p.Ile940Phe (NM_001166112.2); c.2899A>T, p.Ile967Phe (NM_001166113.1, NM_006702.5); short protein forms I1015F, I967F, I1005F, I940F.
Identifiers: ClinVar variation 855485 (VCV000855485.9), dbSNP rs1335354975, ClinGen allele CA403131722.

ClinVar aggregate classification (germline): Uncertain significance (1 of 4 stars; one submission).

Conditions:
Hereditary spastic paraplegia 39 (SPG39). Also called: Spastic Paraplegia Type 39 (SPG39); SPASTIC PARAPLEGIA 39, AUTOSOMAL RECESSIVE. Identifiers: Orphanet 139480, MedGen C2677586, MONDO:0012787, OMIM 612020.

Allele frequency attached by ClinVar (database versions not stated): gnomAD exomes below 0.00001; TOPMed 0.00001.

Submission:

Labcorp Genetics (formerly Invitae), Labcorp
Classification: Uncertain significance for Hereditary spastic paraplegia 39. Last evaluated: 2019-12-20. Review status: criteria provided, single submitter. Criteria: Invitae Variant Classification Sherloc (09022015). Collection method: clinical testing. Allele origin: germline.
Comment: In summary, the available evidence is currently insufficient to determine the role of this variant in disease. Therefore, it has been classified as a Variant of Uncertain Significance. Algorithms developed to predict the effect of missense changes on protein structure and function are either unavailable or do not agree on the potential impact of this missense change (SIFT: "Deleterious"; PolyPhen-2: "Possibly Damaging"; Align-GVGD: "Class C0"). This variant has not been reported in the literature in individuals with PNPLA6-related conditions. This variant is not present in population databases (ExAC no frequency). This sequence change replaces isoleucine with phenylalanine at codon 967 of the PNPLA6 protein (p.Ile967Phe). The isoleucine residue is highly conserved and there is a small physicochemical difference between isoleucine and phenylalanine.